The following is an entry in ClinVar:

ClinVar aggregate classification (germline): Uncertain significance (1 of 4 stars; one submission).

Allele frequency attached by ClinVar (database versions not stated): ExAC 0.00002; TOPMed 0.00005; gnomAD exomes 0.00007; gnomAD 0.00009.
gnomAD v4.1: 119 of 1,614,100 alleles (0.0074%); highest among the groups gnomAD compares: Admixed American, 0.022%; no homozygotes.

Submission:

Labcorp Genetics (formerly Invitae), Labcorp
Classification: Uncertain significance. Last evaluated: 2022-07-12. Review status: criteria provided, single submitter. Criteria: Invitae Variant Classification Sherloc (09022015). Collection method: clinical testing. Allele origin: germline.
Comment: This sequence change replaces valine, which is neutral and non-polar, with isoleucine, which is neutral and non-polar, at codon 242 of the TNFSF11 protein (p.Val242Ile). This variant is present in population databases (rs754256379, gnomAD 0.01%). This variant has not been reported in the literature in individuals affected with TNFSF11-related conditions. Algorithms developed to predict the effect of missense changes on protein structure and function (SIFT, PolyPhen-2, Align-GVGD) all suggest that this variant is likely to be tolerated. In summary, the available evidence is currently insufficient to determine the role of this variant in disease. Therefore, it has been classified as a Variant of Uncertain Significance.

NM_003701.4(TNFSF11):c.724G>A (p.Val242Ile)

Gene: TNFSF11 (TNF superfamily member 11; plus strand). Cytogenetic location: 13q14.11.
Variant type: single nucleotide variant.
Coding change: c.724G>A on transcript NM_003701.4 (MANE Select); coding-DNA position 724, G replaced by A.
Protein change: p.Val242Ile; replaces valine 242 with isoleucine.
Molecular consequence: missense variant.
Genome position (GRCh38, 1-based): chr13:42,606,688, G>A. VCF-style: chr13-42606688-G-A. GRCh37 (hg19) VCF-style: chr13-43180824-G-A.
Other names: c.505G>A, p.Val169Ile (NM_033012.4); short protein forms V169I, V242I.
Identifiers: ClinVar variation 1980453 (VCV001980453.1), dbSNP rs754256379, ClinGen allele CA6967287.
Genomic context (GRCh38, chr13:42,606,688, plus strand): 5'-TTTCGACATCATGAAACTTCAGGAGACCTAGCTACAGAGTATCTTCAACTAATGGTGTAC[G>A]TCACTAAAACCAGCATCAAAATCCCAAGTTCTCATACCCTGATGAAAGGAGGAAGCACCA-3'
Protein context (NP_003692.1, residues 232-252): ATEYLQLMVY[Val242Ile]TKTSIKIPSS